The following is an entry in ClinVar:

ClinVar aggregate classification (germline): Pathogenic (1 of 4 stars; one submission).

Allele frequency attached by ClinVar (database versions not stated): gnomAD exomes below 0.00001.

Submission:

Labcorp Genetics (formerly Invitae), Labcorp
Classification: Pathogenic. Last evaluated: 2021-12-30. Review status: criteria provided, single submitter. Criteria: Invitae Variant Classification Sherloc (09022015). Collection method: clinical testing. Allele origin: germline.
Comment: For these reasons, this variant has been classified as Pathogenic. ClinVar contains an entry for this variant (Variation ID: 1070543). This variant has not been reported in the literature in individuals affected with USH2A-related conditions. This variant is not present in population databases (gnomAD no frequency). This sequence change creates a premature translational stop signal (p.Ser1304Ilefs*6) in the USH2A gene. It is expected to result in an absent or disrupted protein product. Loss-of-function variants in USH2A are known to be pathogenic (PMID: 10729113, 10909849, 20507924, 25649381).

Literature cited by the submitters: PubMed 10729113; PubMed 10909849; PubMed 20507924; PubMed 25649381.

NM_206933.4(USH2A):c.3911del (p.Ser1304fs)

Genes: USH2A (usherin; minus strand), USH2A-AS1 (USH2A antisense RNA 1; plus strand). Cytogenetic location: 1q41.
Variant type: Deletion.
Coding change: c.3911del on transcript NM_206933.4 (MANE Select); coding-DNA position 3911, one base deleted (G; older notation c.3911delG).
Protein change: p.Ser1304fs; shifts the reading frame from serine 1304.
Molecular consequence: frameshift variant.
Genome position (GRCh38, 1-based): chr1:216,198,485, C deleted on the plus strand (G on the coding strand, the reverse complement: USH2A is on the minus strand). VCF-style (leftmost placement, unchanged base first): chr1-216198484-AC-A. GRCh37 (hg19) VCF-style: chr1-216371826-AC-A.
Other names: c.3911del, p.Ser1304fs (NM_007123.6); short protein forms S1304fs.
Identifiers: ClinVar variation 1070543 (VCV001070543.7), dbSNP rs2102464224, ClinGen allele CA2499214522.